The following is an entry in ClinVar:

ClinVar aggregate classification (germline): Uncertain significance (1 of 4 stars; one submission).

Conditions:
Senior-Loken syndrome 7 (SLSN7). Identifiers: Orphanet 3156, MedGen C3150877, MONDO:0013326, OMIM 613615.
Bardet-Biedl syndrome 16 (BBS16). Identifiers: Orphanet 110, MedGen C3889474, MONDO:0014444, OMIM 615993.

Submission:

Labcorp Genetics (formerly Invitae), Labcorp
Classification: Uncertain significance for Bardet-Biedl syndrome 16; Senior-Loken syndrome 7. Last evaluated: 2020-07-15. Review status: criteria provided, single submitter. Criteria: Invitae Variant Classification Sherloc (09022015). Collection method: clinical testing. Allele origin: germline.
Comment: In summary, the available evidence is currently insufficient to determine the role of this variant in disease. Therefore, it has been classified as a Variant of Uncertain Significance. Algorithms developed to predict the effect of missense changes on protein structure and function are either unavailable or do not agree on the potential impact of this missense change (SIFT: "Tolerated"; PolyPhen-2: "Probably Damaging"; Align-GVGD: "Class C0"). This variant has not been reported in the literature in individuals with SDCCAG8-related conditions. This variant is not present in population databases (ExAC no frequency). This sequence change replaces glutamic acid with glycine at codon 384 of the SDCCAG8 protein (p.Glu384Gly). The glutamic acid residue is moderately conserved and there is a moderate physicochemical difference between glutamic acid and glycine.

NM_006642.5(SDCCAG8):c.1151A>G (p.Glu384Gly)

Gene: SDCCAG8 (SHH signaling and ciliogenesis regulator SDCCAG8; plus strand). Cytogenetic location: 1q43.
Variant type: single nucleotide variant.
Coding change: c.1151A>G on transcript NM_006642.5 (MANE Select); coding-DNA position 1151, A replaced by G.
Protein change: p.Glu384Gly; replaces glutamic acid 384 with glycine.
Molecular consequence: missense variant.
Genome position (GRCh38, 1-based): chr1:243,330,622, A>G. VCF-style: chr1-243330622-A-G. GRCh37 (hg19) VCF-style: chr1-243493924-A-G.
Other names: c.248A>G, p.Glu83Gly (NM_001350246.2, NM_001350247.2, NM_001350251.2); c.1247A>G, p.Glu416Gly (NM_001350248.2); c.857A>G, p.Glu286Gly (NM_001350249.2); short protein forms E286G, E384G, E416G, E83G.
Identifiers: ClinVar variation 1003829 (VCV001003829.8), dbSNP rs2074516888, ClinGen allele CA345482651.
Genomic context (GRCh38, chr1:243,330,622, plus strand): 5'-TGAGGAAGGAGCTGGAGAGGCAGGCGGAGCGACTTGAAAAAGAACTTGCATCTCAGCAAG[A>G]GAAAAGGGCCATTGAGAAAGACATGATGAAAAAGGAAATAACGAAAGAAAGGGAGTACAT-3'
Protein context (NP_006633.1, residues 374-394): RLEKELASQQ[Glu384Gly]KRAIEKDMMK